The following is an entry in ClinVar:

NM_001283009.2(RTEL1):c.2352C>T (p.Phe784=)

Genes: RTEL1 (regulator of telomere elongation helicase 1; plus strand), RTEL1-TNFRSF6B (RTEL1-TNFRSF6B readthrough (NMD candidate); plus strand). Cytogenetic location: 20q13.33.
Variant type: single nucleotide variant.
Coding change: c.2352C>T on transcript NM_001283009.2 (MANE Select); coding-DNA position 2352, C replaced by T.
Protein change: p.Phe784=; no amino-acid change (phenylalanine 784 retained).
Molecular consequence: synonymous variant. On other transcripts: non-coding transcript variant (1).
Genome position (GRCh38, 1-based): chr20:63,690,380, C>T. VCF-style: chr20-63690380-C-T. GRCh37 (hg19) VCF-style: chr20-62321733-C-T.
Other names: c.1683C>T, p.Phe561= (NM_001283010.1); c.2352C>T, p.Phe784= (NM_016434.4); c.2424C>T, p.Phe808= (NM_032957.5).
Identifiers: ClinVar variation 724191 (VCV000724191.16), dbSNP rs140564753, ClinGen allele CA9965301.

ClinVar aggregate classification (germline): Conflicting classifications of pathogenicity. Review status: criteria provided, conflicting classifications (1 of 4 stars). 6 submissions from 6 submitters: Uncertain significance (1); Likely benign (3). 2 of the submissions do not count toward it. Last evaluated 2026-01-26.

Conditions:
RTEL1-related disorder. Also called: RTEL1-related condition; RTEL1-related disorders.
Dyskeratosis congenita, autosomal recessive 5 (DKCB5). Identifiers: MedGen C3554656, MONDO:0014076, OMIM 615190.
Pulmonary fibrosis and/or bone marrow failure, Telomere-related, 3. Also called: PULMONARY FIBROSIS AND/OR BONE MARROW FAILURE SYNDROME, TELOMERE-RELATED, 3. Identifiers: Orphanet 2032, MedGen C4225346, MONDO:0014613, OMIM 616373.
Dyskeratosis congenita. Identifiers: Orphanet 1775, MedGen C0265965, MONDO:0015780.
Dyskeratosis congenita, autosomal dominant 1 (DKCA1). Also called: Dyskeratosis congenita Scoggins type. Identifiers: Orphanet 1775, MedGen C4551974, MONDO:0007485, OMIM 127550. Inheritance: Variable.

Allele frequency attached by ClinVar (database versions not stated): ESP Exome Variant Server 0.00015; gnomAD exomes 0.00016 and 0.00031; gnomAD 0.00018 and 0.00020; TOPMed 0.00019; ExAC 0.00028.
gnomAD v4.1: 288 of 1,611,608 alleles (0.018%); highest among the groups gnomAD compares: Non-Finnish European, 0.0031%; 1 homozygote.

Submissions (6):

Labcorp Genetics (formerly Invitae), Labcorp
Classification: Likely benign for Dyskeratosis congenita, autosomal recessive 5; Pulmonary fibrosis and/or bone marrow failure, Telomere-related, 3. Last evaluated: 2026-01-26. Review status: criteria provided, single submitter. Criteria: Invitae Variant Classification Sherloc (09022015). Collection method: clinical testing. Allele origin: germline.

Blueprint Genetics
Classification: Likely benign. Last evaluated: 2024-11-22. Review status: criteria provided, single submitter. Criteria: ACMG Guidelines, 2015. Collection method: clinical testing. Allele origin: germline.

GeneDx
Classification: Uncertain significance. Last evaluated: 2023-08-11. Review status: criteria provided, single submitter. Criteria: GeneDx Variant Classification Process June 2021. Collection method: clinical testing. Allele origin: germline. Affected: yes.
Comment: In silico analysis suggests this variant may impact gene splicing. In the absence of RNA/functional studies, the actual effect of this sequence change is unknown.; Has not been previously published as pathogenic or benign to our knowledge

Sema4
Classification: Likely benign for Dyskeratosis congenita. Last evaluated: 2021-05-05. Review status: criteria provided, single submitter. Criteria: Sema4 Curation Guidelines. Collection method: curation. Allele origin: germline.

PreventionGenetics, part of Exact Sciences
Classification: Likely benign for RTEL1-related condition. Last evaluated: 2022-05-10. Review status: no assertion criteria provided. Collection method: clinical testing. Allele origin: germline. Not counted in ClinVar's aggregate classification.
Comment: This variant is classified as likely benign based on ACMG/AMP sequence variant interpretation guidelines (Richards et al. 2015 PMID: 25741868, with internal and published modifications).

Natera, Inc.
Classification: Likely benign for Autosomal dominant dyskeratosis congenita. Last evaluated: 2020-04-30. Review status: no assertion criteria provided. Collection method: clinical testing. Allele origin: germline. Not counted in ClinVar's aggregate classification.